The following is an entry in ClinVar:

ClinVar aggregate classification (germline): Likely benign (0 of 4 stars; one submission).

Conditions:
GNA11-related disorder. Also called: GNA11-related condition.

Allele frequency attached by ClinVar (database versions not stated): gnomAD 0.00001; gnomAD exomes 0.00001.

Submission:

PreventionGenetics, part of Exact Sciences
Classification: Likely benign for GNA11-related condition. Last evaluated: 2023-12-05. Review status: no assertion criteria provided. Collection method: clinical testing. Allele origin: germline.
Comment: This variant is classified as likely benign based on ACMG/AMP sequence variant interpretation guidelines (Richards et al. 2015 PMID: 25741868, with internal and published modifications).

NM_002067.5(GNA11):c.117G>A (p.Glu39=)

Gene: GNA11 (G protein subunit alpha 11; plus strand). Cytogenetic location: 19p13.3.
Variant type: single nucleotide variant.
Coding change: c.117G>A on transcript NM_002067.5 (MANE Select); coding-DNA position 117, G replaced by A.
Protein change: p.Glu39=; no amino-acid change (glutamic acid 39 retained).
Molecular consequence: synonymous variant.
Genome position (GRCh38, 1-based): chr19:3,094,768, G>A. VCF-style: chr19-3094768-G-A. GRCh37 (hg19) VCF-style: chr19-3094766-G-A.
Identifiers: ClinVar variation 3035000 (VCV003035000.2), dbSNP rs1257166339, ClinGen allele CA504941048.